The following is an entry in ClinVar:

ClinVar aggregate classification (germline): Likely pathogenic (1 of 4 stars; one submission).

Conditions:
Familial dysautonomia. Also called: HSAN III; FD. Identifiers: Orphanet 1764, MedGen C0013364, MONDO:0009131, OMIM 223900. Disease mechanism: loss of function.

Submission:

Myriad Genetics, Inc.
Classification: Likely pathogenic for Familial dysautonomia. Last evaluated: 2022-04-29. Review status: criteria provided, single submitter. Criteria: Myriad Women's Health Autosomal Recessive and X-Linked Classification Criteria (2021). Collection method: clinical testing. Allele origin: unknown.
Comment: NM_003640.3(ELP1):c.3514_3516delGTCinsTT(V1172Lfs*2) is expected to be pathogenic in the context of familial dysautonomia. This variant is predicted to lead to an abnormal or absent protein product due to the creation of a premature termination codon in ELP1, a gene where loss-of-function variants are known to be pathogenic. Please note: this variant was assessed in the context of healthy population screening.

NM_003640.5(ELP1):c.3514_3516delinsTT (p.Val1172fs)

Gene: ELP1 (elongator acetyltransferase complex subunit 1; minus strand). Cytogenetic location: 9q31.3.
Variant type: Indel.
Coding change: c.3514_3516delinsTT on transcript NM_003640.5 (MANE Select); coding-DNA positions 3514 to 3516, GTC replaced by TT.
Protein change: p.Val1172fs; shifts the reading frame from valine 1172.
Molecular consequence: frameshift variant.
Genome position (GRCh38, 1-based): chr9:108,879,502-108,879,504, GAC replaced by AA on the plus strand (GTC replaced by TT on the coding strand, the reverse complement: ELP1 is on the minus strand). VCF-style: chr9-108879502-GAC-AA. GRCh37 (hg19) VCF-style: chr9-111641782-GAC-AA.
Other names: c.3172_3174delinsTT, p.Val1058fs (NM_001318360.2); c.2467_2469delinsTT, p.Val823fs (NM_001330749.2); short protein forms V1058fs, V1172fs, V823fs.
Identifiers: ClinVar variation 1725984 (VCV001725984.2), dbSNP rs2537857777, ClinGen allele CA2580079385.